The following is an entry in ClinVar:

ClinVar aggregate classification (germline): Uncertain significance (3 of 4 stars; one submission).

Conditions:
Hereditary thrombocytopenia and hematologic cancer predisposition syndrome. Identifiers: Orphanet 71290, MedGen CN281654, MONDO:0011071.

Submission:

ClinGen Myeloid Malignancy Variant Curation Expert Panel
Classification: Uncertain significance for Hereditary thrombocytopenia and hematologic cancer predisposition syndrome. Last evaluated: 2024-09-12. Review status: reviewed by expert panel. Criteria: ClinGen MyeloMalig ACMG Specifications v2. Collection method: curation. Allele origin: germline. Inheritance: Autosomal dominant inheritance.
Comment: NM_001754.5(RUNX1):c.331_336del (p.Thr111_Leu112del) is an in-frame deletion which affects residues within the Runt Homology Domain, but not an established hotspot residue (PM4_Supporting). This variant is completely absent from all population databases with at least 20x coverage for RUNX1 (PM2_Supporting). In summary, the clinical significance of this variant is uncertain. ACMG/AMP criteria applied, as specified by the Myeloid Malignancy Variant Curation Expert Panel for RUNX1: PM2_supporting, PM4_supporting.

NM_001754.5(RUNX1):c.331_336del (p.Thr111_Leu112del)

Gene: RUNX1 (RUNX family transcription factor 1; minus strand). Cytogenetic location: 21q22.12.
Variant type: Deletion.
Coding change: c.331_336del on transcript NM_001754.5 (MANE Select); coding-DNA positions 331 to 336, 6 bases deleted (ACCCTG; older notation c.331_336delACCCTG).
Protein change: p.Thr111_Leu112del.
Molecular consequence: inframe deletion.
Genome position (GRCh38, 1-based): chr21:34,886,858-34,886,863, CAGGGT deleted on the plus strand (ACCCTG on the coding strand, the reverse complement: RUNX1 is on the minus strand); deleting any 6 consecutive bases within chr21:34,886,858-34,886,864 gives the same sequence; the c. name uses the placement nearest the transcript's 3' end. VCF-style (leftmost placement, unchanged base first): chr21-34886857-GCAGGGT-G. GRCh37 (hg19) VCF-style: chr21-36259154-GCAGGGT-G.
Other names: NM_001754.5:c.331_336del; c.250_255del, p.Thr84_Leu85del (NM_001001890.3, NM_001122607.2).
Identifiers: ClinVar variation 3340074 (VCV003340074.2).